The following is an entry in ClinVar:

ClinVar aggregate classification (germline): Pathogenic/Likely pathogenic. Review status: criteria provided, multiple submitters, no conflicts (2 of 4 stars). 6 submissions from 6 submitters: Pathogenic (3); Likely pathogenic (2). 1 of the submissions does not count toward it. Last evaluated 2024-11-05.

Conditions:
Combined oxidative phosphorylation defect type 14. Also called: Combined oxidative phosphorylation deficiency 14. Identifiers: Orphanet 319519, MedGen C4755312, MONDO:0013986, OMIM 614946.
FARS2-related disorder. Also called: FARS2-related condition; FARS2-related disorders.
Hereditary spastic paraplegia 77. Also called: Spastic paraplegia 77, autosomal recessive. Identifiers: Orphanet 466722, MedGen C5569007, MONDO:0014882, OMIM 617046.

Allele frequency attached by ClinVar (database versions not stated): gnomAD 0.00001; TOPMed 0.00001.
gnomAD v4.1: 13 of 1,614,048 alleles (0.00081%); highest among the groups gnomAD compares: East Asian, 0.0045%; no homozygotes.

Submissions (6):

Blueprint Genetics
Classification: Pathogenic for FARS2-related disorders. Last evaluated: 2024-11-05. Review status: criteria provided, single submitter. Criteria: ACMG Guidelines, 2015. Collection method: clinical testing. Allele origin: germline. Affected: yes. Observed: 1 variant allele.

Institute of Medical Genetics and Applied Genomics, University Hospital Tübingen
Classification: Pathogenic for Hereditary spastic paraplegia 77. Last evaluated: 2023-01-10. Review status: criteria provided, single submitter. Criteria: ACMG Guidelines, 2015. Collection method: clinical testing. Allele origin: germline. Inheritance: Autosomal recessive inheritance. Affected: yes.

Center for Personalized Medicine, Children's Hospital Los Angeles
Classification: Likely pathogenic. Last evaluated: 2022-12-21. Review status: criteria provided, single submitter. Criteria: ACMG Guidelines, 2015. Collection method: clinical testing. Allele origin: inherited. Affected: yes.

Labcorp Genetics (formerly Invitae), Labcorp
Classification: Pathogenic for Combined oxidative phosphorylation defect type 14. Last evaluated: 2022-09-06. Review status: criteria provided, single submitter. Criteria: Invitae Variant Classification Sherloc (09022015). Collection method: clinical testing. Allele origin: germline.
Comment: This sequence change replaces arginine, which is basic and polar, with histidine, which is basic and polar, at codon 419 of the FARS2 protein (p.Arg419His). For these reasons, this variant has been classified as Pathogenic. This variant disrupts the p.Arg419 amino acid residue in FARS2. Other variant(s) that disrupt this residue have been determined to be pathogenic (Invitae). This suggests that this residue is clinically significant, and that variants that disrupt this residue are likely to be disease-causing. Advanced modeling of protein sequence and biophysical properties (such as structural, functional, and spatial information, amino acid conservation, physicochemical variation, residue mobility, and thermodynamic stability) performed at Invitae indicates that this missense variant is expected to disrupt FARS2 protein function. ClinVar contains an entry for this variant (Variation ID: 429663). This missense change has been observed in individuals with FARS2-related conditions (PMID: 33168986, 33972171). This variant is present in population databases (rs202183509, gnomAD 0.005%).

GeneDx
Classification: Likely pathogenic. Last evaluated: 2015-09-16. Review status: criteria provided, single submitter. Criteria: GeneDx Variant Classification (06012015). Collection method: clinical testing. Allele origin: germline. Affected: yes.
Comment: The R419H variant has not been published as a pathogenic variant, nor has it been reported as a benign polymorphism to our knowledge. The R419H variant is a conservative amino acid substitution, which is not likely to impact secondary protein structure as these residues share similar properties. This substitution occurs at a position that is conserved across species. In silico analysis predicts this variant is probably damaging to the protein structure/function. A missense variants in the same residue (R419C) has been reported in the Human Gene Mutation Database in association with mitochondrial dysfunction (Stenson et al., 2014), supporting the functional importance of this region of the protein. Therefore, this variant is a strong candidate for a pathogenic variant, however the possibility that it is a benign variant cannot be excluded

Laboratoire de Génétique Moléculaire Institut de Recherche Necker Enfants Malades, CHU Paris - Hôpital Necker-Enfants Malades
Classification: Pathogenic for Combined oxidative phosphorylation deficiency 14. Last evaluated: 2019-12-12. Review status: no assertion criteria provided. Collection method: clinical testing. Allele origin: germline. Affected: yes. Not counted in ClinVar's aggregate classification.

Literature cited by the submitters: PubMed 33168986 (cited by Labcorp Genetics (formerly Invitae), Labcorp); PubMed 33972171 (cited by Labcorp Genetics (formerly Invitae), Labcorp).

NM_006567.5(FARS2):c.1256G>A (p.Arg419His)

Gene: FARS2 (phenylalanyl-tRNA synthetase 2, mitochondrial; plus strand). Cytogenetic location: 6p25.1.
Variant type: single nucleotide variant.
Coding change: c.1256G>A on transcript NM_006567.5 (MANE Select); coding-DNA position 1256, G replaced by A.
Protein change: p.Arg419His; replaces arginine 419 with histidine.
Molecular consequence: missense variant.
Genome position (GRCh38, 1-based): chr6:5,771,329, G>A. VCF-style: chr6-5771329-G-A. GRCh37 (hg19) VCF-style: chr6-5771562-G-A.
Other names: c.1256G>A, p.Arg419His (NM_001318872.2, NM_001374875.1, NM_001374876.1 and 4 more transcripts); c.1124G>A, p.Arg375His (NM_001375258.1); c.560G>A, p.Arg187His (NM_001375259.1, NM_001375260.1); short protein forms R419H, R187H, R375H.
Identifiers: ClinVar variation 429663 (VCV000429663.12), dbSNP rs202183509, ClinGen allele CA3623926.